The following is an entry in ClinVar:

NM_022437.3(ABCG8):c.144G>A (p.Glu48=)

Gene: ABCG8 (ATP binding cassette subfamily G member 8; plus strand). Cytogenetic location: 2p21.
Variant type: single nucleotide variant.
Coding change: c.144G>A on transcript NM_022437.3 (MANE Select); coding-DNA position 144, G replaced by A.
Protein change: p.Glu48=; no amino-acid change (glutamic acid 48 retained).
Molecular consequence: synonymous variant.
Genome position (GRCh38, 1-based): chr2:43,844,587, G>A. VCF-style: chr2-43844587-G-A. GRCh37 (hg19) VCF-style: chr2-44071726-G-A.
Other names: c.144G>A, p.Glu48= (NM_001357321.2).
Identifiers: ClinVar variation 2810817 (VCV002810817.3), dbSNP rs1668682396, ClinGen allele CA425751158.

ClinVar aggregate classification (germline): Uncertain significance (1 of 4 stars; one submission).

Allele frequency attached by ClinVar (database versions not stated): gnomAD exomes below 0.00001; TOPMed below 0.00001.
gnomAD v4.1: 1 of 1,614,064 alleles (0.000062%); highest among the groups gnomAD compares: Middle Eastern, 0.016%; no homozygotes.

Submission:

Labcorp Genetics (formerly Invitae), Labcorp
Classification: Uncertain significance. Last evaluated: 2022-10-30. Review status: criteria provided, single submitter. Criteria: Invitae Variant Classification Sherloc (09022015). Collection method: clinical testing. Allele origin: germline.
Comment: This variant is not present in population databases (gnomAD no frequency). This variant has not been reported in the literature in individuals affected with ABCG8-related conditions. Algorithms developed to predict the effect of sequence changes on RNA splicing suggest that this variant may disrupt the consensus splice site. In summary, the available evidence is currently insufficient to determine the role of this variant in disease. Therefore, it has been classified as a Variant of Uncertain Significance. This sequence change affects codon 48 of the ABCG8 mRNA. It is a 'silent' change, meaning that it does not change the encoded amino acid sequence of the ABCG8 protein.